The following is an entry in ClinVar:

NM_001365925.2(NLGN1):c.1536C>A (p.Cys512Ter)

Gene: NLGN1 (neuroligin 1; plus strand). Cytogenetic location: 3q26.31.
Variant type: single nucleotide variant.
Coding change: c.1536C>A on transcript NM_001365925.2 (MANE Select); coding-DNA position 1536, C replaced by A.
Protein change: p.Cys512Ter; replaces cysteine 512 with a stop codon.
Molecular consequence: nonsense.
Genome position (GRCh38, 1-based): chr3:174,279,477, C>A. VCF-style: chr3-174279477-C-A. GRCh37 (hg19) VCF-style: chr3-173997267-C-A.
Other names: c.1536C>A, p.Cys512Ter (NM_001365927.2, NM_001365928.2, NM_001365923.2 and 2 more transcripts); c.1476C>A, p.Cys492Ter (NM_001365929.2, NM_001365930.2, NM_001365931.2 and 3 more transcripts); c.1449C>A, p.Cys483Ter (NM_001365934.2, NM_001365935.2, NM_001365936.2); short protein forms C512*, C492*, C483*.
Identifiers: ClinVar variation 3723792 (VCV003723792.2).

ClinVar aggregate classification (germline): Uncertain significance (1 of 4 stars; one submission).

Submission:

Labcorp Genetics (formerly Invitae), Labcorp
Classification: Uncertain significance. Last evaluated: 2024-10-29. Review status: criteria provided, single submitter. Criteria: Invitae Variant Classification Sherloc (09022015). Collection method: clinical testing. Allele origin: germline.
Comment: This sequence change creates a premature translational stop signal (p.Cys492*) in the NLGN1 gene. It is expected to result in an absent or disrupted protein product. However, the current clinical and genetic evidence is not sufficient to establish whether loss-of-function variants in NLGN1 cause disease. This variant is not present in population databases (gnomAD no frequency). This variant has not been reported in the literature in individuals affected with NLGN1-related conditions. In summary, the available evidence is currently insufficient to determine the role of this variant in disease. Therefore, it has been classified as a Variant of Uncertain Significance.